The following is an entry in ClinVar:

NM_000257.4(MYH7):c.3877G>A (p.Glu1293Lys)

Gene: MYH7 (myosin heavy chain 7; minus strand). Cytogenetic location: 14q11.2.
Variant type: single nucleotide variant.
Coding change: c.3877G>A on transcript NM_000257.4 (MANE Select); coding-DNA position 3877, G replaced by A.
Protein change: p.Glu1293Lys; replaces glutamic acid 1293 with lysine.
Molecular consequence: missense variant.
Genome position (GRCh38, 1-based): chr14:23,419,272, C>T on the plus strand (G>A on the coding strand, the complement: MYH7 is on the minus strand). VCF-style: chr14-23419272-C-T. GRCh37 (hg19) VCF-style: chr14-23888481-C-T.
Other names: c.3877G>A, p.Glu1293Lys (NM_001407004.1); short protein forms E1293K.
Identifiers: ClinVar variation 2580418 (VCV002580418.1), dbSNP rs2502260545, ClinGen allele CA389041737.

ClinVar aggregate classification (germline): Uncertain significance (1 of 4 stars; one submission).

Submission:

GeneDx
Classification: Uncertain significance. Last evaluated: 2023-03-22. Review status: criteria provided, single submitter. Criteria: GeneDx Variant Classification Process June 2021. Collection method: clinical testing. Allele origin: germline. Affected: yes.
Comment: Not observed at significant frequency in large population cohorts (gnomAD); In silico analysis supports that this missense variant has a deleterious effect on protein structure/function; Reported in association with hypertrophic cardiomyopathy (HCM); however, patient-specific clinical information was not provided (Norrish et al., 2019); This variant is associated with the following publications: (PMID: 34426522, 31006259)